The following is an entry in ClinVar:

NM_006005.3(WFS1):c.2026_2027insA (p.Arg676fs)

Gene: WFS1 (wolframin ER transmembrane glycoprotein; plus strand). Cytogenetic location: 4p16.1.
Variant type: Insertion.
Coding change: c.2026_2027insA on transcript NM_006005.3 (MANE Select); coding-DNA positions 2026 to 2027, A inserted.
Protein change: p.Arg676fs; shifts the reading frame from arginine 676.
Molecular consequence: frameshift variant.
Genome position: GRCh38 VCF-style: chr4-6301821-C-CA. GRCh37 (hg19) VCF-style: chr4-6303548-C-CA.
Other names: c.2026_2027insA, p.Arg676fs (NM_001145853.1); short protein forms R676fs.
Identifiers: ClinVar variation 1403322 (VCV001403322.6), dbSNP rs2109126894, ClinGen allele CA2573138344.
Genomic context (GRCh38, chr4:6,301,821, plus strand): 5'-GGCATGAAGGTCTACAACTCCACACTGACCTGGCAGCAGTATGGTGCGCTGTGCGGGCCA[C>CA]GCGCCTGGAAGGAGACCAACATGGCGCGCACCCAGATCCTCTGCAGCCACCTGGAGGGCC-3'

ClinVar aggregate classification (germline): Pathogenic (1 of 4 stars; one submission).

Allele frequency attached by ClinVar (database versions not stated): gnomAD exomes below 0.00001.

Submission:

Labcorp Genetics (formerly Invitae), Labcorp
Classification: Pathogenic. Last evaluated: 2022-08-09. Review status: criteria provided, single submitter. Criteria: Invitae Variant Classification Sherloc (09022015). Collection method: clinical testing. Allele origin: germline.
Comment: For these reasons, this variant has been classified as Pathogenic. This variant disrupts a region of the WFS1 protein in which other variant(s) (p.Gly702Ser) have been determined to be pathogenic (PMID: 21446023, 32179840). This suggests that this is a clinically significant region of the protein, and that variants that disrupt it are likely to be disease-causing. Algorithms developed to predict the effect of sequence changes on RNA splicing suggest that this variant may create or strengthen a splice site. ClinVar contains an entry for this variant (Variation ID: 1403322). This variant has not been reported in the literature in individuals affected with WFS1-related conditions. This variant is not present in population databases (gnomAD no frequency). This sequence change creates a premature translational stop signal (p.Arg676Glnfs*36) in the WFS1 gene. While this is not anticipated to result in nonsense mediated decay, it is expected to disrupt the last 215 amino acid(s) of the WFS1 protein.

Literature cited by the submitters: PubMed 21446023; PubMed 32179840.